The following is an entry in ClinVar:

ClinVar aggregate classification (germline): Benign (1 of 4 stars; one submission).

Allele frequency attached by ClinVar (database versions not stated): 1000 Genomes Project 0.49062; 1000 Genomes Project 30x 0.49126; gnomAD 0.49680 and 0.49951; TOPMed 0.49692.
gnomAD v4.1: 75,528 of 151,908 alleles (50%); highest among the groups gnomAD compares: East Asian, 55%; 18,856 homozygotes.

Submission:

GeneDx
Classification: Benign. Last evaluated: 2018-06-20. Review status: criteria provided, single submitter. Criteria: GeneDx Variant Classification (06012015). Collection method: clinical testing. Allele origin: germline. Affected: yes.
Comment: This variant is considered likely benign or benign based on one or more of the following criteria: it is a conservative change, it occurs at a poorly conserved position in the protein, it is predicted to be benign by multiple in silico algorithms, and/or has population frequency not consistent with disease.

NM_002907.4(RECQL):c.868-220T>C

Gene: RECQL (RecQ like helicase; minus strand). Cytogenetic location: 12p12.1.
Variant type: single nucleotide variant.
Coding change: c.868-220T>C on transcript NM_002907.4 (MANE Select); 220 bases into the intron before coding-DNA position 868, T replaced by C.
Molecular consequence: intron variant.
Genome position (GRCh38, 1-based): chr12:21,477,212, A>G on the plus strand (T>C on the coding strand, the complement: RECQL is on the minus strand). VCF-style: chr12-21477212-A-G. GRCh37 (hg19) VCF-style: chr12-21630146-A-G.
Other names: c.868-220T>C (NM_032941.3).
Identifiers: ClinVar variation 679681 (VCV000679681.1), dbSNP rs917855, ClinGen allele CA13721383.